The following is an entry in ClinVar:

ClinVar aggregate classification (germline): Benign/Likely benign. Review status: criteria provided, multiple submitters, no conflicts (2 of 4 stars). 8 submissions from 8 submitters: Benign (2); Likely benign (5). 1 of the submissions does not count toward it. Last evaluated 2025-12-19.

Conditions:
CHD7-related disorder. Also called: CHD7-related condition.
CHARGE syndrome (CHARGE). Also called: Hittner Hirsch Kreh syndrome; CHARGE ASSOCIATION--COLOBOMA, HEART ANOMALY, CHOANAL ATRESIA, RETARDATION, GENITAL AND EAR ANOMALIES; Coloboma, heart anomaly, choanal atresia, retardation, genital and ear anomalies; CHARGE association; Hall-Hittner syndrome. Identifiers: Orphanet 138, MedGen C0265354, MONDO:0008965.
Hypogonadotropic hypogonadism 5 with or without anosmia (KAL5). Also called: HYPOGONADOTROPIC HYPOGONADISM 5 WITH ANOSMIA; HYPOGONADOTROPHIC HYPOGONADISM 5 WITHOUT ANOSMIA; CHD7-Related GnRH Deficiency (Kallmann Syndrome 5). Identifiers: Orphanet 478, MedGen C3552553, MONDO:0012880, OMIM 612370. Disease mechanism: loss of function.
Inborn genetic diseases. Identifiers: MedGen C0950123, MeSH D030342.

Allele frequency attached by ClinVar (database versions not stated): gnomAD 0.00004 and 0.00005; TOPMed 0.00009; gnomAD exomes 0.00012; ExAC 0.00013; 1000 Genomes Project 30x 0.00016; 1000 Genomes Project 0.00020.
gnomAD v4.1: 34 of 1,613,822 alleles (0.0021%); highest among the groups gnomAD compares: East Asian, 0.069%; no homozygotes.

Submissions (8):

Labcorp Genetics (formerly Invitae), Labcorp
Classification: Likely benign for CHARGE syndrome. Last evaluated: 2025-12-19. Review status: criteria provided, single submitter. Criteria: Invitae Variant Classification Sherloc (09022015). Collection method: clinical testing. Allele origin: germline.

CeGaT Center for Human Genetics Tuebingen
Classification: Likely benign. Last evaluated: 2025-01-01. Review status: criteria provided, single submitter. Criteria: CeGaT Center For Human Genetics Tuebingen Variant Classification Criteria Version 2. Collection method: clinical testing. Allele origin: germline. Affected: yes. Observed: 1 variant allele.
Comment: CHD7: BP4

Blueprint Genetics
Classification: Likely benign. Last evaluated: 2023-08-01. Review status: criteria provided, single submitter. Criteria: ACMG Guidelines, 2015. Collection method: clinical testing. Allele origin: germline.

Fulgent Genetics
Classification: Likely benign for CHD7-related CHARGE syndrome; Hypogonadotropic hypogonadism 5 with or without anosmia. Last evaluated: 2021-08-05. Review status: criteria provided, single submitter. Criteria: ACMG Guidelines, 2015. Collection method: clinical testing. Allele origin: unknown.

Laboratory for Molecular Medicine, Mass General Brigham Personalized Medicine
Classification: Benign. Last evaluated: 2019-09-17. Review status: criteria provided, single submitter. Criteria: LMM Criteria. Collection method: clinical testing. Allele origin: germline. Observed: 1 variant allele.
Comment: The p.Ser137Ala variant in CHD7 is classified as benign because it has been identified in 0.17% (33/19528) of East Asian chromosomes by gnomAD. ACMG/AMP Criteria applied: BA1.

Ambry Genetics
Classification: Benign for Inborn genetic diseases. Last evaluated: 2019-02-04. Review status: criteria provided, single submitter. Criteria: Ambry Variant Classification Scheme 2023. Collection method: clinical testing. Allele origin: germline.

GeneDx
Classification: Likely benign. Last evaluated: 2018-08-29. Review status: criteria provided, single submitter. Criteria: GeneDx Variant Classification Process June 2021. Collection method: clinical testing. Allele origin: germline. Affected: yes.
Comment: See Variant Classification Assertion Criteria.

PreventionGenetics, part of Exact Sciences
Classification: Likely benign for CHD7-related condition. Last evaluated: 2022-09-07. Review status: no assertion criteria provided. Collection method: clinical testing. Allele origin: germline. Not counted in ClinVar's aggregate classification.
Comment: This variant is classified as likely benign based on ACMG/AMP sequence variant interpretation guidelines (Richards et al. 2015 PMID: 25741868, with internal and published modifications).

NM_017780.4(CHD7):c.409T>G (p.Ser137Ala)

Gene: CHD7 (chromodomain helicase DNA binding protein 7; plus strand). Cytogenetic location: 8q12.2.
Variant type: single nucleotide variant.
Coding change: c.409T>G on transcript NM_017780.4 (MANE Select); coding-DNA position 409, T replaced by G.
Protein change: p.Ser137Ala; replaces serine 137 with alanine.
Molecular consequence: missense variant.
Genome position (GRCh38, 1-based): chr8:60,741,841, T>G. VCF-style: chr8-60741841-T-G. GRCh37 (hg19) VCF-style: chr8-61654400-T-G.
Other names: c.409T>G, p.Ser137Ala (NM_001316690.1); short protein forms S137A.
Identifiers: ClinVar variation 698739 (VCV000698739.34), dbSNP rs183761594, ClinGen allele CA4759310.